The following is an entry in ClinVar:

ClinVar aggregate classification (germline): Pathogenic/Likely pathogenic. Review status: criteria provided, multiple submitters, no conflicts (2 of 4 stars). 6 submissions from 5 submitters: Pathogenic (2); Likely pathogenic (1). 3 of the submissions do not count toward it. Last evaluated 2024-03-14.

Conditions:
IMPG2-related disorders.
Vitelliform macular dystrophy 5. Identifiers: Orphanet 99000, MedGen C4015343, MONDO:0014509, OMIM 616152.
Autosomal recessive retinitis pigmentosa. Identifiers: MedGen C0339526.

Allele frequency attached by ClinVar (database versions not stated): TOPMed below 0.00001; gnomAD 0.00001.
gnomAD v4.1: 8 of 1,613,056 alleles (0.0005%); highest among the groups gnomAD compares: Non-Finnish European, 0.00068%; no homozygotes.

Submissions (6):

Genomic Medicine Center of Excellence, King Faisal Specialist Hospital and Research Centre
Classification: Pathogenic for Macular dystrophy, vitelliform, 5. Last evaluated: 2024-03-14. Review status: criteria provided, single submitter. Criteria: ACMG Guidelines, 2015. Collection method: clinical testing. Allele origin: germline.

Labcorp Genetics (formerly Invitae), Labcorp
Classification: Pathogenic. Last evaluated: 2022-06-13. Review status: criteria provided, single submitter. Criteria: Invitae Variant Classification Sherloc (09022015). Collection method: clinical testing. Allele origin: germline.
Comment: This sequence change creates a premature translational stop signal (p.Tyr171*) in the IMPG2 gene. It is expected to result in an absent or disrupted protein product. Loss-of-function variants in IMPG2 are known to be pathogenic (PMID: 20673862). For these reasons, this variant has been classified as Pathogenic. ClinVar contains an entry for this variant (Variation ID: 191181). This premature translational stop signal has been observed in individual(s) with autosomal recessive retinitis pigmentosa (PMID: 24876279, 25999674). This variant is not present in population databases (gnomAD no frequency).

Blueprint Genetics
Classification: Likely pathogenic for IMPG2-related disorders. Last evaluated: 2022-02-16. Review status: criteria provided, single submitter. Criteria: ACMG Guidelines, 2015. Collection method: clinical testing. Allele origin: germline. Affected: yes. Observed: 5 variant alleles.

Joint Genome Diagnostic Labs from Nijmegen and Maastricht, Radboudumc and MUMC+
Classification: Pathogenic for Vitelliform macular dystrophy 5. Last evaluated: 2016-09-01. Review status: no assertion criteria provided. Collection method: clinical testing. Allele origin: inherited. Affected: yes. Observed: 1 variant allele. Not counted in ClinVar's aggregate classification.

Faculty of Health Sciences, Beirut Arab University
Classification: Pathogenic for Autosomal recessive Retinitis Pigmentosa. Last evaluated: 2015-09-10. Review status: no assertion criteria provided. Collection method: literature only. Allele origin: germline. Affected: yes. Observed: 1 variant allele. Not counted in ClinVar's aggregate classification.

Genomic Medicine Center of Excellence, King Faisal Specialist Hospital and Research Centre
Classification: Likely pathogenic. Review status: flagged submission. Criteria: ACMG Guidelines, 2015. Collection method: research. Allele origin: germline. Affected: yes. Not counted in ClinVar's aggregate classification.
ClinVar note: Reason: This record appears to be redundant with a more recent record from the same submitter.
ClinVar note: Notes: SCV000221564 appears to be redundant with SCV005016610.

Literature cited by the submitters: PubMed 20673862 (cited by Labcorp Genetics (formerly Invitae), Labcorp); PubMed 24876279 (cited by Labcorp Genetics (formerly Invitae), Labcorp); PubMed 25999674 (cited by Labcorp Genetics (formerly Invitae), Labcorp); PubMed 26355662 (cited by Faculty of Health Sciences, Beirut Arab University).

NM_016247.4(IMPG2):c.513T>G (p.Tyr171Ter)

Gene: IMPG2 (interphotoreceptor matrix proteoglycan 2; minus strand). Cytogenetic location: 3q12.3.
Variant type: single nucleotide variant.
Coding change: c.513T>G on transcript NM_016247.4 (MANE Select); coding-DNA position 513, T replaced by G.
Protein change: p.Tyr171Ter; replaces tyrosine 171 with a stop codon.
Molecular consequence: nonsense.
Genome position (GRCh38, 1-based): chr3:101,291,499, A>C on the plus strand (T>G on the coding strand, the complement: IMPG2 is on the minus strand). VCF-style: chr3-101291499-A-C. GRCh37 (hg19) VCF-style: chr3-101010343-A-C.
Other names: short protein forms Y171*.
Identifiers: ClinVar variation 191181 (VCV000191181.11), dbSNP rs763295314, ClinGen allele CA236196.